The following is an entry in ClinVar:

NM_001079802.2(FKTN):c.1173-1G>C

Gene: FKTN (fukutin; plus strand). Cytogenetic location: 9q31.2.
Variant type: single nucleotide variant.
Coding change: c.1173-1G>C on transcript NM_001079802.2 (MANE Select); the canonical splice acceptor site of the intron before coding-DNA position 1173, G replaced by C.
Molecular consequence: splice acceptor variant.
Genome position (GRCh38, 1-based): chr9:105,635,050, G>C. VCF-style: chr9-105635050-G-C. GRCh37 (hg19) VCF-style: chr9-108397331-G-C.
Other names: c.1173-1G>C (NM_006731.2, NM_001351496.2, NM_001198963.2); c.777-1G>C (NM_001351502.2, NM_001351499.2, NM_001351500.2 and 1 more transcripts); c.1104-1G>C (NM_001351497.2); c.1204-1G>C (NM_001351498.2).
Identifiers: ClinVar variation 553352 (VCV000553352.8), dbSNP rs557699482, ClinGen allele CA197461893.

ClinVar aggregate classification (germline): Uncertain significance. Review status: criteria provided, single submitter (1 of 4 stars). 2 submissions from 2 submitters: Uncertain significance (1). 1 of the submissions does not count toward it. Last evaluated 2022-02-24.

Conditions:
Walker-Warburg congenital muscular dystrophy. Also called: Muscular dystrophy-dystroglycanopathy, type A; Walker-Warburg syndrome. Identifiers: Orphanet 899, MedGen C0265221, MONDO:0000171.
Muscular dystrophy-dystroglycanopathy (congenital with brain and eye anomalies), type A, 4 (MDDGA4). Also called: Muscular dystrophy, congenital progressive, with mental retardation; Muscular dystrophy, congenital, with central nervous system involvement; Cerebromuscular dystrophy, Fukuyama type; Walker-Warburg Syndrome, Fktn-Related; Fukuyama congenital muscular dystrophy; Congenital muscular dystrophy-dystroglycanopathy with brain and eye anomalies, type A4. Identifiers: Orphanet 272, Orphanet 588, Orphanet 899, MedGen C0410174, MONDO:0009678, OMIM 253800.

Allele frequency attached by ClinVar (database versions not stated): 1000 Genomes Project below 0.00001; gnomAD exomes below 0.00001.

Submissions (3):

Labcorp Genetics (formerly Invitae), Labcorp
Classification: Uncertain significance for Walker-Warburg congenital muscular dystrophy. Last evaluated: 2022-02-24. Review status: criteria provided, single submitter. Criteria: Invitae Variant Classification Sherloc (09022015). Collection method: clinical testing. Allele origin: germline.
Comment: In summary, the available evidence is currently insufficient to determine the role of this variant in disease. Therefore, it has been classified as a Variant of Uncertain Significance. Variants that disrupt the consensus splice site are a relatively common cause of aberrant splicing (PMID: 17576681, 9536098). Algorithms developed to predict the effect of sequence changes on RNA splicing suggest that this variant may disrupt the consensus splice site. ClinVar contains an entry for this variant (Variation ID: 553352). This variant has not been reported in the literature in individuals affected with FKTN-related conditions. This variant is not present in population databases (gnomAD no frequency). This sequence change affects an acceptor splice site in intron 10 of the FKTN gene. While this variant is not anticipated to result in nonsense mediated decay, it likely alters RNA splicing and results in a disrupted protein product.

Counsyl
Classification: Likely pathogenic for Muscular dystrophy-dystroglycanopathy (congenital with brain and eye anomalies), type A, 4. Last evaluated: 2017-08-16. Review status: no assertion criteria provided. Collection method: clinical testing. Allele origin: unknown. Not counted in ClinVar's aggregate classification.

Dr. Peter K. Rogan Lab, Western University
No classification provided (evidence only). Condition: Familial cancer of breast. Review status: no classification provided. Collection method: in vitro. Allele origin: not applicable. Functional consequence: retained intron. Not counted in ClinVar's aggregate classification.

Literature cited by the submitters: PubMed 17576681 (cited by Labcorp Genetics (formerly Invitae), Labcorp); PubMed 9536098 (cited by Labcorp Genetics (formerly Invitae), Labcorp).